The following is an entry in ClinVar:

NM_001211.6(BUB1B):c.2933G>A (p.Trp978Ter)

Genes: BUB1B-PAK6 (BUB1B-PAK6 readthrough; plus strand), BUB1B (BUB1 mitotic checkpoint serine/threonine kinase B; plus strand). Cytogenetic location: 15q15.1.
Variant type: single nucleotide variant.
Coding change: c.2933G>A on transcript NM_001211.6 (MANE Select); coding-DNA position 2933, G replaced by A.
Protein change: p.Trp978Ter; replaces tryptophan 978 with a stop codon.
Molecular consequence: nonsense. On other transcripts: intron variant (2).
Genome position (GRCh38, 1-based): chr15:40,218,538, G>A. VCF-style: chr15-40218538-G-A. GRCh37 (hg19) VCF-style: chr15-40510739-G-A.
Other names: c.-201+871G>A (NM_001128628.3); c.-118+871G>A (NM_001128629.3); short protein forms W978*.
Identifiers: ClinVar variation 533908 (VCV000533908.9), dbSNP rs1191638586, ClinGen allele CA391688360.

ClinVar aggregate classification (germline): Uncertain significance (1 of 4 stars; one submission).

Conditions:
Mosaic variegated aneuploidy syndrome 1 (MVA1). Also called: Warburton-Anyane-Yeboa syndrome. Identifiers: Orphanet 1052, MedGen C1850343, MONDO:0009759, OMIM 257300.

Allele frequency attached by ClinVar (database versions not stated): gnomAD exomes below 0.00001.
gnomAD v4.1: 4 of 1,613,606 alleles (0.00025%); highest among the groups gnomAD compares: Non-Finnish European, 0.00017%; no homozygotes.

Submission:

Labcorp Genetics (formerly Invitae), Labcorp
Classification: Uncertain significance for Mosaic variegated aneuploidy syndrome 1. Last evaluated: 2024-12-17. Review status: criteria provided, single submitter. Criteria: Invitae Variant Classification Sherloc (09022015). Collection method: clinical testing. Allele origin: germline.
Comment: This sequence change creates a premature translational stop signal (p.Trp978*) in the BUB1B gene. While this is not anticipated to result in nonsense mediated decay, it is expected to disrupt the last 73 amino acid(s) of the BUB1B protein. This variant is present in population databases (no rsID available, gnomAD 0.006%). This variant has not been reported in the literature in individuals affected with BUB1B-related conditions. ClinVar contains an entry for this variant (Variation ID: 533908). Algorithms developed to predict the effect of sequence changes on RNA splicing suggest that this variant may disrupt the consensus splice site. In summary, the available evidence is currently insufficient to determine the role of this variant in disease. Therefore, it has been classified as a Variant of Uncertain Significance.